The following is an entry in ClinVar:

NM_000552.5(VWF):c.2611G>A (p.Gly871Ser)

Gene: VWF (von Willebrand factor; minus strand). Cytogenetic location: 12p13.31.
Variant type: single nucleotide variant.
Coding change: c.2611G>A on transcript NM_000552.5 (MANE Select); coding-DNA position 2611, G replaced by A.
Protein change: p.Gly871Ser; replaces glycine 871 with serine.
Molecular consequence: missense variant.
Genome position (GRCh38, 1-based): chr12:6,034,762, C>T on the plus strand (G>A on the coding strand, the complement: VWF is on the minus strand). VCF-style: chr12-6034762-C-T. GRCh37 (hg19) VCF-style: chr12-6143928-C-T.
Other names: c.2611G>A (NM_000552.3); short protein forms G871S.
Identifiers: ClinVar variation 3768724 (VCV003768724.3).
Genomic context (GRCh38, chr12:6,034,762, plus strand): 5'-ACTGGCACTCCCCGGGGAACAGGTATTTGAGCCCGTCGAAGGTGAGGTAGTGGGCCATGC[C>T]GATCGTGGAGCACGTGGCATCACACACATGGTCTGTGCAGTTCCACTTCCGGTCCTGACA-3'
Protein context (NP_000543.3, residues 861-881): HVCDATCSTI[Gly871Ser]MAHYLTFDGL

ClinVar aggregate classification (germline): Uncertain significance. Review status: criteria provided, multiple submitters, no conflicts (2 of 4 stars). 3 submissions from 3 submitters: Uncertain significance (3). Last evaluated 2025-02-06.

Conditions:
von Willebrand disease type 3 (VWD3). Also called: Type 3 Von Willebrand's disease; Type 3 VWD; Von Willebrand disease, severe form; V WD3; VON WILLEBRAND DISEASE, TYPE III. Identifiers: Orphanet 166096, MedGen C1264041, MONDO:0010191, OMIM 277480.
von Willebrand disease type 1 (VWD1). Also called: VWD, TYPE 1; VON WILLEBRAND DISEASE, TYPE I. Identifiers: Orphanet 166078, Orphanet 903, MedGen C1264039, MONDO:0008668, OMIM 193400. Inheritance: autosomal recessive or autosomal dominant.
von Willebrand disease type 2 (VWD2). Also called: VON WILLEBRAND DISEASE, TYPE 2A/IIE; VON WILLEBRAND DISEASE, TYPE 2CB; VWD, TYPE 2; VON WILLEBRAND DISEASE, TYPE II. Identifiers: Orphanet 166081, Orphanet 903, MedGen C1264040, MONDO:0013304, OMIM 613554.

gnomAD v4.1: 11 of 1,614,104 alleles (0.00068%); highest among the groups gnomAD compares: Middle Eastern, 0.016%; no homozygotes.

Submissions (3):

Women's Health and Genetics/Laboratory Corporation of America, LabCorp
Classification: Uncertain significance. Last evaluated: 2025-02-06. Review status: criteria provided, single submitter. Criteria: LabCorp Variant Classification Summary - May 2015. Collection method: clinical testing. Allele origin: germline.
Comment: Variant summary: VWF c.2611G>A (p.Gly871Ser) results in a non-conservative amino acid change located in the von Willebrand factor (vWF) type D domain of the encoded protein sequence. Five of five in-silico tools predict a damaging effect of the variant on protein function. The variant allele was found at a frequency of 2e-05 in 251488 control chromosomes. The available data on variant occurrences in the general population are insufficient to allow any conclusion about variant significance. To our knowledge, no occurrence of c.2611G>A in individuals affected with Von Willebrand Disease and no experimental evidence demonstrating its impact on protein function have been reported. No submitters have cited clinical-significance assessments for this variant to ClinVar. Based on the evidence outlined above, the variant was classified as uncertain significance.

GeneDx
Classification: Uncertain significance. Last evaluated: 2024-09-16. Review status: criteria provided, single submitter. Criteria: GeneDx Variant Classification Process June 2021. Collection method: clinical testing. Allele origin: germline. Affected: yes.
Comment: In silico analysis supports that this missense variant has a deleterious effect on protein structure/function; Has not been previously published as pathogenic or benign to our knowledge

Department of Pathology and Laboratory Medicine, Sinai Health System
Classification: Uncertain significance for von Willebrand disease type 1; von Willebrand disease type 3; von Willebrand disease type 2. Last evaluated: 2021-07-30. Review status: criteria provided, single submitter. Criteria: ACMG Guidelines, 2015. Collection method: research. Allele origin: germline.